The following is an entry in ClinVar:

ClinVar aggregate classification (germline): Uncertain significance (1 of 4 stars; one submission).

Conditions:
Epilepsy, childhood absence, susceptibility to, 5. Identifiers: Orphanet 64280, MedGen C2677087, MONDO:0012843, OMIM 612269.
Epilepsy, childhood absence, susceptibility to, 1. Also called: Epilepsy, childhood absence 1. Identifiers: Orphanet 64280, MedGen C1838604, MONDO:0020759, OMIM 600131.

Allele frequency attached by ClinVar (database versions not stated): gnomAD exomes below 0.00001.
gnomAD v4.1: 1 of 1,499,344 alleles (0.000067%); highest among the groups gnomAD compares: Non-Finnish European, 0.000089%; no homozygotes.

Submission:

Labcorp Genetics (formerly Invitae), Labcorp
Classification: Uncertain significance for Epilepsy, childhood absence, susceptibility to, 5; Epilepsy, childhood absence, susceptibility to, 1. Last evaluated: 2024-06-29. Review status: criteria provided, single submitter. Criteria: Invitae Variant Classification Sherloc (09022015). Collection method: clinical testing. Allele origin: germline.
Comment: This sequence change replaces leucine, which is neutral and non-polar, with glutamine, which is neutral and polar, at codon 18 of the GABRB3 protein (p.Leu18Gln). This variant is not present in population databases (gnomAD no frequency). This variant has not been reported in the literature in individuals affected with GABRB3-related conditions. ClinVar contains an entry for this variant (Variation ID: 1358228). Advanced modeling of protein sequence and biophysical properties (such as structural, functional, and spatial information, amino acid conservation, physicochemical variation, residue mobility, and thermodynamic stability) has been performed at Invitae for this missense variant, however the output from this modeling did not meet the statistical confidence thresholds required to predict the impact of this variant on GABRB3 protein function. In summary, the available evidence is currently insufficient to determine the role of this variant in disease. Therefore, it has been classified as a Variant of Uncertain Significance.

NM_000814.6(GABRB3):c.53T>A (p.Leu18Gln)

Gene: GABRB3 (gamma-aminobutyric acid type A receptor subunit beta3; minus strand). Cytogenetic location: 15q12.
Variant type: single nucleotide variant.
Coding change: c.53T>A on transcript NM_000814.6 (MANE Select); coding-DNA position 53, T replaced by A.
Protein change: p.Leu18Gln; replaces leucine 18 with glutamine.
Molecular consequence: missense variant. On other transcripts: 5 prime UTR variant (1), intron variant (1).
Genome position (GRCh38, 1-based): chr15:26,772,910, A>T on the plus strand (T>A on the coding strand, the complement: GABRB3 is on the minus strand). VCF-style: chr15-26772910-A-T. GRCh37 (hg19) VCF-style: chr15-27018057-A-T.
Other names: c.-299T>A (NM_001278631.2); c.81-138T>A (NM_021912.5); short protein forms L18Q.
Identifiers: ClinVar variation 1358228 (VCV001358228.8), dbSNP rs2140199978, ClinGen allele CA391465607.